The following is an entry in ClinVar:

NM_001184880.2(PCDH19):c.769G>C (p.Val257Leu)

Gene: PCDH19 (protocadherin 19; minus strand). Cytogenetic location: Xq22.1.
Variant type: single nucleotide variant.
Coding change: c.769G>C on transcript NM_001184880.2 (MANE Select); coding-DNA position 769, G replaced by C.
Protein change: p.Val257Leu; replaces valine 257 with leucine.
Molecular consequence: missense variant.
Genome position (GRCh38, 1-based): chrX:100,407,829, C>G on the plus strand (G>C on the coding strand, the complement: PCDH19 is on the minus strand). VCF-style: chrX-100407829-C-G. GRCh37 (hg19) VCF-style: chrX-99662827-C-G.
Other names: p.V257L:GTC>CTC; c.769G>C, p.Val257Leu (NM_001105243.2, NM_020766.3); short protein forms V257L.
Identifiers: ClinVar variation 193196 (VCV000193196.68), dbSNP rs201713027, ClinGen allele CA238710.

ClinVar aggregate classification (germline): Conflicting classifications of pathogenicity. Review status: criteria provided, conflicting classifications (1 of 4 stars). 12 submissions from 12 submitters: Uncertain significance (1); Benign (2); Likely benign (5). 4 of the submissions do not count toward it. Last evaluated 2026-01-17.

Conditions:
PCDH19-related disorder. Also called: PCDH19-related condition.
Inborn genetic diseases. Identifiers: MedGen C0950123, MeSH D030342.
Developmental and epileptic encephalopathy, 9 (DEE9). Also called: JUBERG-HELLMAN SYNDROME; EPILEPSY, FEMALE-RESTRICTED, WITH MENTAL RETARDATION; PCDH19-Related X-Linked Female-Limited Epilepsy with Mental Retardation; Early infantile epileptic encephalopathy 9. Identifiers: Orphanet 101039, Orphanet 2076, MedGen C1848137, MONDO:0010246, OMIM 300088. Disease mechanism: loss of function.

Allele frequency attached by ClinVar (database versions not stated): ESP Exome Variant Server 0.00019; 1000 Genomes Project 30x 0.00021; TOPMed 0.00033; gnomAD exomes 0.00057; gnomAD 0.00061 and 0.00065; ExAC 0.00063.
gnomAD v4.1: 716 of 1,211,112 alleles (0.059%); highest among the groups gnomAD compares: Non-Finnish European, 0.072%; no homozygotes.

Submissions (12):

Labcorp Genetics (formerly Invitae), Labcorp
Classification: Likely benign for Developmental and epileptic encephalopathy, 9. Last evaluated: 2026-01-17. Review status: criteria provided, single submitter. Criteria: Invitae Variant Classification Sherloc (09022015). Collection method: clinical testing. Allele origin: germline.

Blueprint Genetics
Classification: Likely benign. Last evaluated: 2024-10-23. Review status: criteria provided, single submitter. Criteria: ACMG Guidelines, 2015. Collection method: clinical testing. Allele origin: germline.

CeGaT Center for Human Genetics Tuebingen
Classification: Likely benign. Last evaluated: 2023-08-01. Review status: criteria provided, single submitter. Criteria: CeGaT Center For Human Genetics Tuebingen Variant Classification Criteria Version 2. Collection method: clinical testing. Allele origin: germline. Affected: yes. Observed: 5 variant alleles.
Comment: PCDH19: PP2, BS2

Ambry Genetics
Classification: Likely benign for Inborn genetic diseases. Last evaluated: 2021-08-16. Review status: criteria provided, single submitter. Criteria: Ambry Variant Classification Scheme 2023. Collection method: clinical testing. Allele origin: germline.

GeneDx
Classification: Benign. Last evaluated: 2019-05-20. Review status: criteria provided, single submitter. Criteria: GeneDx Variant Classification Process June 2021. Collection method: clinical testing. Allele origin: germline. Affected: yes.
Comment: This variant is associated with the following publications: (PMID: 23334464)

Eurofins Ntd Llc (ga)
Classification: Benign. Last evaluated: 2017-04-12. Review status: criteria provided, single submitter. Criteria: EGL Classification Definitions 2015. Collection method: clinical testing. Allele origin: germline. Observed: 3 variant alleles, 1 heterozygote, 2 hemizygotes.

Athena Diagnostics
Classification: Likely benign. Last evaluated: 2017-03-28. Review status: criteria provided, single submitter. Criteria: Athena Diagnostics Criteria. Collection method: clinical testing. Allele origin: germline.

Genetic Services Laboratory, University of Chicago
Classification: Uncertain significance. Last evaluated: 2015-06-23. Review status: criteria provided, single submitter. Criteria: ACMG Guidelines, 2015. Collection method: clinical testing. Allele origin: germline.

PreventionGenetics, part of Exact Sciences
Classification: Likely benign for PCDH19-related condition. Last evaluated: 2023-03-22. Review status: no assertion criteria provided. Collection method: clinical testing. Allele origin: germline. Not counted in ClinVar's aggregate classification.
Comment: This variant is classified as likely benign based on ACMG/AMP sequence variant interpretation guidelines (Richards et al. 2015 PMID: 25741868, with internal and published modifications).

Clinical Genetics DNA and cytogenetics Diagnostics Lab, Erasmus MC, Erasmus Medical Center
Classification: Likely benign. Review status: no assertion criteria provided. Collection method: clinical testing. Allele origin: germline. Affected: yes. Study: VKGL Data-share Consensus. Not counted in ClinVar's aggregate classification.

Genome Diagnostics Laboratory, University Medical Center Utrecht
Classification: Likely benign. Review status: no assertion criteria provided. Collection method: clinical testing. Allele origin: germline. Affected: yes. Study: VKGL Data-share Consensus. Not counted in ClinVar's aggregate classification.

Joint Genome Diagnostic Labs from Nijmegen and Maastricht, Radboudumc and MUMC+
Classification: Likely benign. Review status: no assertion criteria provided. Collection method: clinical testing. Allele origin: germline. Affected: yes. Study: VKGL Data-share Consensus. Not counted in ClinVar's aggregate classification.